The following is an entry in ClinVar:

ClinVar aggregate classification (germline): Conflicting classifications of pathogenicity. Review status: criteria provided, conflicting classifications (1 of 4 stars). 3 submissions from 3 submitters: Uncertain significance (1); Benign (1); Likely benign (1). Last evaluated 2025-02-05.

Conditions:
Hereditary cancer-predisposing syndrome. Also called: Hereditary Cancer Syndrome; Hereditary neoplastic syndrome; Neoplastic Syndromes, Hereditary; Tumor predisposition. Identifiers: Orphanet 140162, MedGen C0027672, MeSH D009386, MONDO:0015356.
POLD1-related polyposis and colorectal cancer syndrome (CRCS10). Also called: Colorectal cancer, susceptibility to, 10; Colorectal cancer 10; COLORECTAL CANCER, SUSCEPTIBILITY TO, ON CHROMOSOME 19q. Identifiers: Orphanet 220460, MedGen C2675481, MONDO:0012953, OMIM 612591.

Submissions (3):

Myriad Genetics, Inc.
Classification: Benign for POLD1-related polyposis and colorectal cancer syndrome. Last evaluated: 2025-02-05. Review status: criteria provided, single submitter. Criteria: Myriad Autosomal Dominant, Autosomal Recessive and X-Linked Classification Criteria (2023). Collection method: clinical testing. Allele origin: unknown.
Comment: This variant is considered benign. This variant is a silent/synonymous amino acid change and it is not expected to impact splicing.

Genetic Services Laboratory, University of Chicago
Classification: Uncertain significance. Last evaluated: 2019-07-17. Review status: criteria provided, single submitter. Criteria: ACMG Guidelines, 2015. Collection method: clinical testing. Allele origin: germline. Affected: no.

Ambry Genetics
Classification: Likely benign for Hereditary cancer-predisposing syndrome. Last evaluated: 2018-03-19. Review status: criteria provided, single submitter. Criteria: Ambry Variant Classification Scheme 2023. Collection method: clinical testing. Allele origin: germline.

NM_002691.4(POLD1):c.1059G>A (p.Leu353=)

Gene: POLD1 (DNA polymerase delta 1, catalytic subunit; plus strand). Cytogenetic location: 19q13.33.
Variant type: single nucleotide variant.
Coding change: c.1059G>A on transcript NM_002691.4 (MANE Select); coding-DNA position 1059, G replaced by A.
Protein change: p.Leu353=; no amino-acid change (leucine 353 retained).
Molecular consequence: synonymous variant. On other transcripts: non-coding transcript variant (1).
Genome position (GRCh38, 1-based): chr19:50,403,141, G>A. VCF-style: chr19-50403141-G-A. GRCh37 (hg19) VCF-style: chr19-50906398-G-A.
Other names: c.1059G>A, p.Leu353= (NM_001256849.1, NM_001308632.1).
Identifiers: ClinVar variation 818294 (VCV000818294.9), dbSNP rs1601204466, ClinGen allele CA508182670.
Genomic context (GRCh38, chr19:50,403,141, plus strand): 5'-TGTCATCCAGATCTGCTCGCTGGGCCTGCGCTGGGGGGAGCCGGAGCCCTTCCTACGCCT[G>A]GCGCTCACCCTGCGGCCCTGTGCCCCCATCCTGGGTGCCAAGGTGCAGAGCTACGAGAAG-3'
Protein context (NP_002682.2, residues 343-363): RWGEPEPFLR[Leu353=]ALTLRPCAPI